The following is an entry in ClinVar:

NM_000379.4(XDH):c.1575G>C (p.Gln525His)

Gene: XDH (xanthine dehydrogenase; minus strand). Cytogenetic location: 2p23.1.
Variant type: single nucleotide variant.
Coding change: c.1575G>C on transcript NM_000379.4 (MANE Select); coding-DNA position 1575, G replaced by C.
Protein change: p.Gln525His; replaces glutamine 525 with histidine.
Molecular consequence: missense variant.
Genome position (GRCh38, 1-based): chr2:31,375,407, C>G on the plus strand (G>C on the coding strand, the complement: XDH is on the minus strand). VCF-style: chr2-31375407-C-G. GRCh37 (hg19) VCF-style: chr2-31598273-C-G.
Other names: short protein forms Q525H.
Identifiers: ClinVar variation 1441612 (VCV001441612.6), dbSNP rs1483259175, ClinGen allele CA346507263.

ClinVar aggregate classification (germline): Uncertain significance (1 of 4 stars; one submission).

Conditions:
Xanthinuria type II. Also called: Xanthine dehydrogenase and aldehyde oxidase combined deficiency of; XDH and AOX dual deficiency. Identifiers: Orphanet 3467, Orphanet 93602, MedGen C1863688, MONDO:0011346, OMIM 603592.

Allele frequency attached by ClinVar (database versions not stated): TOPMed below 0.00001; gnomAD exomes 0.00001.
gnomAD v4.1: 3 of 1,614,226 alleles (0.00019%); highest among the groups gnomAD compares: Middle Eastern, 0.049%; no homozygotes.

Submission:

Labcorp Genetics (formerly Invitae), Labcorp
Classification: Uncertain significance for Xanthinuria type II. Last evaluated: 2021-07-28. Review status: criteria provided, single submitter. Criteria: Invitae Variant Classification Sherloc (09022015). Collection method: clinical testing. Allele origin: germline.
Comment: In summary, the available evidence is currently insufficient to determine the role of this variant in disease. Therefore, it has been classified as a Variant of Uncertain Significance. Algorithms developed to predict the effect of missense changes on protein structure and function output the following: SIFT: "Tolerated"; PolyPhen-2: "Benign"; Align-GVGD: "Class C0". The histidine amino acid residue is found in multiple mammalian species, which suggests that this missense change does not adversely affect protein function. This variant has not been reported in the literature in individuals affected with XDH-related conditions. This variant is not present in population databases (ExAC no frequency). This sequence change replaces glutamine with histidine at codon 525 of the XDH protein (p.Gln525His). The glutamine residue is moderately conserved and there is a small physicochemical difference between glutamine and histidine.